The following is an entry in ClinVar:

ClinVar aggregate classification (germline): Uncertain significance. Review status: criteria provided, multiple submitters, no conflicts (2 of 4 stars). 3 submissions from 3 submitters: Uncertain significance (3). Last evaluated 2026-09-01.

Conditions:
Cutis laxa, X-linked (OHS). Also called: EDS IX; Occipital horn syndrome. Identifiers: Orphanet 198, MedGen C0268353, MONDO:0010572, OMIM 304150.
X-linked distal spinal muscular atrophy type 3. Also called: ATP7A-Related Distal Motor Neuropathy; NEURONOPATHY, DISTAL HEREDITARY MOTOR, X-LINKED; NEUROPATHY, DISTAL HEREDITARY MOTOR, X-LINKED; SPINAL MUSCULAR ATROPHY, DISTAL, X-LINKED RECESSIVE. Identifiers: Orphanet 139557, MedGen C1845359, MONDO:0010338, OMIM 300489.
Menkes kinky-hair syndrome (MNK). Also called: Classic Menkes Disease; Copper transport disease; Menkes Disease. Identifiers: Orphanet 565, MedGen C0022716, MONDO:0010651, OMIM 309400.

Submissions (3):

CeGaT Center for Human Genetics Tuebingen
Classification: Uncertain significance. Last evaluated: 2026-09-01. Review status: criteria provided, single submitter. Criteria: CeGaT Center For Human Genetics Tuebingen Variant Classification Criteria Version 2. Collection method: clinical testing. Allele origin: germline. Affected: yes. Observed: 1 variant allele.
Comment: ATP7A: PM2, BP4

Labcorp Genetics (formerly Invitae), Labcorp
Classification: Uncertain significance for X-linked distal spinal muscular atrophy type 3; Cutis laxa, X-linked; Menkes kinky-hair syndrome. Last evaluated: 2025-05-26. Review status: criteria provided, single submitter. Criteria: Invitae Variant Classification Sherloc (09022015). Collection method: clinical testing. Allele origin: germline.
Comment: This sequence change replaces alanine, which is neutral and non-polar, with threonine, which is neutral and polar, at codon 126 of the ATP7A protein (p.Ala126Thr). This variant is not present in population databases (gnomAD no frequency). This variant has not been reported in the literature in individuals affected with ATP7A-related conditions. ClinVar contains an entry for this variant (Variation ID: 3377924). Invitae Evidence Modeling of protein sequence and biophysical properties (such as structural, functional, and spatial information, amino acid conservation, physicochemical variation, residue mobility, and thermodynamic stability) indicates that this missense variant is not expected to disrupt ATP7A protein function with a negative predictive value of 95%. In summary, the available evidence is currently insufficient to determine the role of this variant in disease. Therefore, it has been classified as a Variant of Uncertain Significance.

GeneDx
Classification: Uncertain significance. Last evaluated: 2024-05-16. Review status: criteria provided, single submitter. Criteria: GeneDx Variant Classification Process June 2021. Collection method: clinical testing. Allele origin: germline. Affected: yes.
Comment: Not observed at significant frequency in large population cohorts (gnomAD); In silico analysis indicates that this missense variant does not alter protein structure/function; Has not been previously published as pathogenic or benign to our knowledge

NM_000052.7(ATP7A):c.376G>A (p.Ala126Thr)

Gene: ATP7A (ATPase copper transporting alpha; plus strand). Cytogenetic location: Xq21.1.
Variant type: single nucleotide variant.
Coding change: c.376G>A on transcript NM_000052.7 (MANE Select); coding-DNA position 376, G replaced by A.
Protein change: p.Ala126Thr; replaces alanine 126 with threonine.
Molecular consequence: missense variant.
Genome position (GRCh38, 1-based): chrX:77,988,497, G>A. VCF-style: chrX-77988497-G-A. GRCh37 (hg19) VCF-style: chrX-77243993-G-A.
Other names: c.376G>A, p.Ala126Thr (NM_001282224.2); short protein forms A126T.
Identifiers: ClinVar variation 3377924 (VCV003377924.3).